The following is an entry in ClinVar:

NM_001384732.1(CPLANE1):c.4333G>T (p.Ala1445Ser)

Genes: CPLANE1 (ciliogenesis and planar polarity effector complex subunit 1; minus strand), LOC129389274 (MPRA-validated peak5227 silencer; plus strand). Cytogenetic location: 5p13.2.
Variant type: single nucleotide variant.
Coding change: c.4333G>T on transcript NM_001384732.1 (MANE Select); coding-DNA position 4333, G replaced by T.
Protein change: p.Ala1445Ser; replaces alanine 1445 with serine.
Molecular consequence: missense variant.
Genome position (GRCh38, 1-based): chr5:37,184,936, C>A on the plus strand (G>T on the coding strand, the complement: CPLANE1 is on the minus strand). VCF-style: chr5-37184936-C-A. GRCh37 (hg19) VCF-style: chr5-37185038-C-A.
Other names: c.4333G>T, p.Ala1445Ser (NM_023073.4); short protein forms A1445S.
Identifiers: ClinVar variation 2169705 (VCV002169705.4), dbSNP rs747364413, ClinGen allele CA3238722.
Genomic context (GRCh38, chr5:37,184,936, plus strand): 5'-GTTCTGTGAGTGTACTTCTGCTCAAACTAGTCCCCAGGGAATATCTGTCAACACCTGGAG[C>A]CTCATCTGGTTTCTCTTCTTCAATTGGTTCCCATATATTCACTTCAAAAGAGCCTATATT-3'
Protein context (NP_001371661.1, residues 1435-1455): EPIEEEKPDE[Ala1445Ser]PGVDRYSLGT

ClinVar aggregate classification (germline): Uncertain significance (1 of 4 stars; one submission).

Allele frequency attached by ClinVar (database versions not stated): TOPMed below 0.00001; ExAC 0.00001.
gnomAD v4.1: 1 of 1,614,112 alleles (0.000062%); highest among the groups gnomAD compares: Admixed American, 0.0017%; no homozygotes.

Submission:

Labcorp Genetics (formerly Invitae), Labcorp
Classification: Uncertain significance. Last evaluated: 2022-08-02. Review status: criteria provided, single submitter. Criteria: Invitae Variant Classification Sherloc (09022015). Collection method: clinical testing. Allele origin: germline.
Comment: This variant has not been reported in the literature in individuals affected with CPLANE1-related conditions. This variant is present in population databases (rs747364413, gnomAD 0.003%). This sequence change replaces alanine, which is neutral and non-polar, with serine, which is neutral and polar, at codon 1445 of the CPLANE1 protein (p.Ala1445Ser). Advanced modeling of protein sequence and biophysical properties (such as structural, functional, and spatial information, amino acid conservation, physicochemical variation, residue mobility, and thermodynamic stability) performed at Invitae indicates that this missense variant is not expected to disrupt CPLANE1 protein function. In summary, the available evidence is currently insufficient to determine the role of this variant in disease. Therefore, it has been classified as a Variant of Uncertain Significance.